The following is an entry in ClinVar:

ClinVar aggregate classification (germline): Uncertain significance (1 of 4 stars; one submission).

Conditions:
Congenital glucose-galactose malabsorption (GGM). Also called: MONOSACCHARIDE MALABSORPTION; DIARRHEA 16. Identifiers: Orphanet 35710, MedGen C0268186, MONDO:0011731, OMIM 606824.

Allele frequency attached by ClinVar (database versions not stated): gnomAD 0.00001; gnomAD exomes 0.00001; TOPMed 0.00001; ExAC 0.00002.
gnomAD v4.1: 14 of 1,614,050 alleles (0.00087%); highest among the groups gnomAD compares: Non-Finnish European, 0.0011%; no homozygotes.

Submission:

Labcorp Genetics (formerly Invitae), Labcorp
Classification: Uncertain significance for Congenital glucose-galactose malabsorption. Last evaluated: 2021-04-14. Review status: criteria provided, single submitter. Criteria: Invitae Variant Classification Sherloc (09022015). Collection method: clinical testing. Allele origin: germline.
Comment: This sequence change replaces alanine with threonine at codon 231 of the SLC5A1 protein (p.Ala231Thr). The alanine residue is moderately conserved and there is a small physicochemical difference between alanine and threonine. This variant is present in population databases (rs202020538, ExAC 0.01%). This variant has not been reported in the literature in individuals with SLC5A1-related conditions. Algorithms developed to predict the effect of missense changes on protein structure and function (SIFT, PolyPhen-2, Align-GVGD) all suggest that this variant is likely to be tolerated, but these predictions have not been confirmed by published functional studies and their clinical significance is uncertain. In summary, the available evidence is currently insufficient to determine the role of this variant in disease. Therefore, it has been classified as a Variant of Uncertain Significance.

NM_000343.4(SLC5A1):c.691G>A (p.Ala231Thr)

Gene: SLC5A1 (solute carrier family 5 member 1; plus strand). Cytogenetic location: 22q12.3.
Variant type: single nucleotide variant.
Coding change: c.691G>A on transcript NM_000343.4 (MANE Select); coding-DNA position 691, G replaced by A.
Protein change: p.Ala231Thr; replaces alanine 231 with threonine.
Molecular consequence: missense variant.
Genome position (GRCh38, 1-based): chr22:32,084,465, G>A. VCF-style: chr22-32084465-G-A. GRCh37 (hg19) VCF-style: chr22-32480452-G-A.
Other names: c.310G>A, p.Ala104Thr (NM_001256314.2); short protein forms A231T, A104T.
Identifiers: ClinVar variation 1371901 (VCV001371901.8), dbSNP rs202020538, ClinGen allele CA10198050.